The following is an entry in ClinVar:

NM_002582.4(PARN):c.1630A>C (p.Ile544Leu)

Gene: PARN (poly(A)-specific ribonuclease; minus strand). Cytogenetic location: 16p13.12.
Variant type: single nucleotide variant.
Coding change: c.1630A>C on transcript NM_002582.4 (MANE Select); coding-DNA position 1630, A replaced by C.
Protein change: p.Ile544Leu; replaces isoleucine 544 with leucine.
Molecular consequence: missense variant.
Genome position (GRCh38, 1-based): chr16:14,482,678, T>G on the plus strand (A>C on the coding strand, the complement: PARN is on the minus strand). VCF-style: chr16-14482678-T-G. GRCh37 (hg19) VCF-style: chr16-14576535-T-G.
Other names: c.1447A>C, p.Ile483Leu (NM_001134477.3); c.1492A>C, p.Ile498Leu (NM_001242992.2); short protein forms I498L, I483L, I544L.
Identifiers: ClinVar variation 2948483 (VCV002948483.3), dbSNP rs779379622, ClinGen allele CA395183379.
Genomic context (GRCh38, chr16:14,482,678, plus strand): 5'-TAACAGCTGAGAGCTCTTACCTATTGTTGCGGTAATAGTGATTCTGCAGGGTGTAGGGTA[T>G]GCACTGGGGGTTTAACCGTTTGCTGTCAGCCTCCTTCCAGCTATCTTCAGTCCACTTTCT-3'
Protein context (NP_002573.1, residues 534-554): ADSKRLNPQC[Ile544Leu]PYTLQNHYYR

ClinVar aggregate classification (germline): Uncertain significance (1 of 4 stars; one submission).

Conditions:
Dyskeratosis congenita, autosomal recessive 6 (DKCB6). Identifiers: MedGen C4225356, MONDO:0014600, OMIM 616353.
Pulmonary fibrosis and/or bone marrow failure, Telomere-related, 4. Also called: PULMONARY FIBROSIS AND/OR BONE MARROW FAILURE SYNDROME, TELOMERE-RELATED, 4. Identifiers: Orphanet 2032, MedGen C4225347, MONDO:0014612, OMIM 616371.

Submission:

Labcorp Genetics (formerly Invitae), Labcorp
Classification: Uncertain significance for Dyskeratosis congenita, autosomal recessive 6; Pulmonary fibrosis and/or bone marrow failure, Telomere-related, 4. Last evaluated: 2023-06-03. Review status: criteria provided, single submitter. Criteria: Invitae Variant Classification Sherloc (09022015). Collection method: clinical testing. Allele origin: germline.
Comment: This variant is not present in population databases (gnomAD no frequency). This sequence change replaces isoleucine, which is neutral and non-polar, with leucine, which is neutral and non-polar, at codon 544 of the PARN protein (p.Ile544Leu). Algorithms developed to predict the effect of missense changes on protein structure and function output the following: SIFT: "Not Available"; PolyPhen-2: "Benign"; Align-GVGD: "Not Available". The leucine amino acid residue is found in multiple mammalian species, which suggests that this missense change does not adversely affect protein function. This variant has not been reported in the literature in individuals affected with PARN-related conditions. In summary, the available evidence is currently insufficient to determine the role of this variant in disease. Therefore, it has been classified as a Variant of Uncertain Significance.